The following is an entry in ClinVar:

NM_000081.4(LYST):c.9926-12C>T

Genes: LYST (lysosomal trafficking regulator; minus strand), LOC126806063 (MED14-independent group 3 enhancer GRCh37_chr1:235871544-235872743; plus strand). Cytogenetic location: 1q42.3.
Variant type: single nucleotide variant.
Coding change: c.9926-12C>T on transcript NM_000081.4 (MANE Select); 12 bases into the intron before coding-DNA position 9926, C replaced by T.
Molecular consequence: intron variant.
Genome position (GRCh38, 1-based): chr1:235,709,320, G>A on the plus strand (C>T on the coding strand, the complement: LYST is on the minus strand). VCF-style: chr1-235709320-G-A. GRCh37 (hg19) VCF-style: chr1-235872620-G-A.
Other names: c.9926-12C>T (NM_001301365.1).
Identifiers: ClinVar variation 511214 (VCV000511214.10), dbSNP rs762744969, ClinGen allele CA1465472.

ClinVar aggregate classification (germline): Likely benign. Review status: criteria provided, multiple submitters, no conflicts (2 of 4 stars). 3 submissions from 3 submitters: Likely benign (3). Last evaluated 2025-12-19.

Conditions:
Chédiak-Higashi syndrome (CHS). Also called: Chediak-Higashi Syndrome. Identifiers: Orphanet 167, MedGen C0007965, MONDO:0008963, OMIM 214500.

Allele frequency attached by ClinVar (database versions not stated): ExAC 0.00001; gnomAD exomes 0.00001; TOPMed 0.00001.
gnomAD v4.1: 7 of 1,590,714 alleles (0.00044%); highest among the groups gnomAD compares: Middle Eastern, 0.017%; no homozygotes.

Submissions (3):

Labcorp Genetics (formerly Invitae), Labcorp
Classification: Likely benign for Chédiak-Higashi syndrome. Last evaluated: 2025-12-19. Review status: criteria provided, single submitter. Criteria: Invitae Variant Classification Sherloc (09022015). Collection method: clinical testing. Allele origin: germline.

Blueprint Genetics
Classification: Likely benign. Last evaluated: 2023-01-10. Review status: criteria provided, single submitter. Criteria: ACMG Guidelines, 2015. Collection method: clinical testing. Allele origin: germline.

GeneDx
Classification: Likely benign. Last evaluated: 2017-08-15. Review status: criteria provided, single submitter. Criteria: GeneDx Variant Classification (06012015). Collection method: clinical testing. Allele origin: germline. Affected: yes.
Comment: This variant is considered likely benign or benign based on one or more of the following criteria: it is a conservative change, it occurs at a poorly conserved position in the protein, it is predicted to be benign by multiple in silico algorithms, and/or has population frequency not consistent with disease.